The following is an entry in ClinVar:

NM_000137.4(FAH):c.193-1G>A

Gene: FAH (fumarylacetoacetate hydrolase; plus strand). Cytogenetic location: 15q25.1.
Variant type: single nucleotide variant.
Coding change: c.193-1G>A on transcript NM_000137.4 (MANE Select); the canonical splice acceptor site of the intron before coding-DNA position 193, G replaced by A.
Molecular consequence: splice acceptor variant.
Genome position (GRCh38, 1-based): chr15:80,159,755, G>A. VCF-style: chr15-80159755-G-A. GRCh37 (hg19) VCF-style: chr15-80452097-G-A.
Other names: c.193-1G>A (NM_001374377.1, NM_001374380.1).
Identifiers: ClinVar variation 4802972 (VCV004802972.1).

ClinVar aggregate classification (germline): Likely pathogenic (1 of 4 stars; one submission).

Conditions:
Tyrosinemia type I (TYRSN1). Also called: HEPATORENAL TYROSINEMIA; Tyrosinemia type 1; Fumarylacetoacetase deficiency; Deficiency of fumarylacetoacetase; FAH DEFICIENCY. Identifiers: Orphanet 882, MedGen C0268490, MONDO:0010161, OMIM 276700. Disease mechanism: loss of function.

Submission:

Labcorp Genetics (formerly Invitae), Labcorp
Classification: Likely pathogenic for Tyrosinemia type I. Last evaluated: 2026-01-14. Review status: criteria provided, single submitter. Criteria: Invitae Variant Classification Sherloc (09022015). Collection method: clinical testing. Allele origin: germline.
Comment: This sequence change affects an acceptor splice site in intron 2 of the FAH gene. It is expected to disrupt RNA splicing. Variants that disrupt the donor or acceptor splice site typically lead to a loss of protein function (PMID: 16199547), and loss-of-function variants in FAH are known to be pathogenic (PMID: 9101289, 9633815). This variant is not present in population databases (gnomAD no frequency). This variant has not been reported in the literature in individuals affected with FAH-related conditions. Algorithms developed to predict the effect of sequence changes on RNA splicing suggest that this variant may disrupt the consensus splice site. In summary, the currently available evidence indicates that the variant is pathogenic, but additional data are needed to prove that conclusively. Therefore, this variant has been classified as Likely Pathogenic.

Literature cited by the submitters: PubMed 16199547; PubMed 9101289; PubMed 9633815.